The following is an entry in ClinVar:

ClinVar aggregate classification (germline): Conflicting classifications of pathogenicity. Review status: criteria provided, conflicting classifications (1 of 4 stars). 2 submissions from 2 submitters: Uncertain significance (1); Likely benign (1). Last evaluated 2025-09-30.

Allele frequency attached by ClinVar (database versions not stated): gnomAD exomes 0.00001; ExAC 0.00002.

Submissions (2):

Labcorp Genetics (formerly Invitae), Labcorp
Classification: Likely benign. Last evaluated: 2025-09-30. Review status: criteria provided, single submitter. Criteria: Invitae Variant Classification Sherloc (09022015). Collection method: clinical testing. Allele origin: germline.

CeGaT Center for Human Genetics Tuebingen
Classification: Uncertain significance. Last evaluated: 2022-07-01. Review status: criteria provided, single submitter. Criteria: CeGaT Center For Human Genetics Tuebingen Variant Classification Criteria Version 2. Collection method: clinical testing. Allele origin: germline. Affected: yes. Observed: 1 variant allele.
Comment: NOTCH3: PP2

NM_000435.3(NOTCH3):c.5552G>A (p.Arg1851His)

Gene: NOTCH3 (notch receptor 3; minus strand). Cytogenetic location: 19p13.12.
Variant type: single nucleotide variant.
Coding change: c.5552G>A on transcript NM_000435.3 (MANE Select); coding-DNA position 5552, G replaced by A.
Protein change: p.Arg1851His; replaces arginine 1851 with histidine.
Molecular consequence: missense variant.
Genome position (GRCh38, 1-based): chr19:15,165,902, C>T on the plus strand (G>A on the coding strand, the complement: NOTCH3 is on the minus strand). VCF-style: chr19-15165902-C-T. GRCh37 (hg19) VCF-style: chr19-15276713-C-T.
Other names: short protein forms R1851H.
Identifiers: ClinVar variation 1953652 (VCV001953652.29), dbSNP rs1238520484, ClinGen allele CA9262598.
Genomic context (GRCh38, chr19:15,165,902, plus strand): 5'-GAGTGGTCCTGGGCATTGGTGTCTGCCCCAGCATCCAGCAGCCGCTTGGCTGCATCAGCA[C>T]GGGCATAACGGGCAGCCAGGTGCAAAGCAGTCTCGCCAGTACGGTCAGTCCGTGCCCCAA-3'
Protein context (NP_000426.2, residues 1841-1861): TALHLAARYA[Arg1851His]ADAAKRLLDA